The following is an entry in ClinVar:

ClinVar aggregate classification (germline): Benign. Review status: criteria provided, multiple submitters, no conflicts (2 of 4 stars). 3 submissions from 3 submitters: Benign (3). Last evaluated 2025-07-17.

Conditions:
Congenital vertical talus. Also called: PES VALGUS, CONGENITAL CONVEX; Rocker-bottom foot deformity. Identifiers: Orphanet 178382, MedGen C0240912, MONDO:0008652, OMIM 192950, HP:0001838.

Allele frequency attached by ClinVar (database versions not stated): 1000 Genomes Project 0.00739; 1000 Genomes Project 30x 0.00843; gnomAD 0.01352; TOPMed 0.01392; gnomAD exomes 0.01436; ExAC 0.01527; ESP Exome Variant Server 0.01622.

Submissions (3):

ARUP Laboratories, Molecular Genetics and Genomics, ARUP Laboratories
Classification: Benign. Last evaluated: 2025-07-17. Review status: criteria provided, single submitter. Criteria: ARUP Molecular Germline Variant Investigation Process 2024. Collection method: clinical testing. Allele origin: germline.

Illumina Laboratory Services, Illumina
Classification: Benign for Congenital vertical talus. Last evaluated: 2018-01-12. Review status: criteria provided, single submitter. Criteria: ICSL Variant Classification Criteria 13 December 2019. Collection method: clinical testing. Allele origin: germline.
Comment: This variant was observed in the ICSL laboratory as part of a predisposition screen in an ostensibly healthy population. It had not been previously curated by ICSL or reported in the Human Gene Mutation Database (HGMD: prior to June 1st, 2018), and was therefore a candidate for classification through an automated scoring system. Utilizing variant allele frequency, disease prevalence and penetrance estimates, and inheritance mode, an automated score was calculated to assess if this variant is too frequent to cause the disease. Based on the score and internal cut-off values, a variant classified as benign is not then subjected to further curation. The score for this variant resulted in a classification of benign for this disease.

Breakthrough Genomics
Classification: Benign. Review status: criteria provided, single submitter. Criteria: ACMG Guidelines, 2015. Collection method: not provided. Allele origin: germline. Inheritance: Autosomal dominant inheritance. Affected: yes.

NM_002148.4(HOXD10):c.987G>C (p.Arg329=)

Gene: HOXD10 (homeobox D10; plus strand). Cytogenetic location: 2q31.1.
Variant type: single nucleotide variant.
Coding change: c.987G>C on transcript NM_002148.4 (MANE Select); coding-DNA position 987, G replaced by C.
Protein change: p.Arg329=; no amino-acid change (arginine 329 retained).
Molecular consequence: synonymous variant.
Genome position (GRCh38, 1-based): chr2:176,119,195, G>C. VCF-style: chr2-176119195-G-C. GRCh37 (hg19) VCF-style: chr2-176983923-G-C.
Identifiers: ClinVar variation 332488 (VCV000332488.19), dbSNP rs33913965, ClinGen allele CA1977436.
Genomic context (GRCh38, chr2:176,119,195, plus strand): 5'-GGTCAAGATTTGGTTTCAAAACCGCCGAATGAAACTCAAGAAGATGAGCCGAGAGAACCG[G>C]ATCCGAGAACTGACCGCCAACCTCACGTTTTCTTAGGTCTGAGGCCGGTCTGAGGCCGGT-3'
Protein context (NP_002139.2, residues 319-339): MKLKKMSREN[Arg329=]IRELTANLTF